The following is an entry in ClinVar:

NM_001035.3(RYR2):c.14029C>T (p.Leu4677=)

Gene: RYR2 (ryanodine receptor 2; plus strand). Cytogenetic location: 1q43.
Variant type: single nucleotide variant.
Coding change: c.14029C>T on transcript NM_001035.3 (MANE Select); coding-DNA position 14029, C replaced by T.
Protein change: p.Leu4677=; no amino-acid change (leucine 4677 retained).
Molecular consequence: synonymous variant.
Genome position (GRCh38, 1-based): chr1:237,798,109, C>T. VCF-style: chr1-237798109-C-T. GRCh37 (hg19) VCF-style: chr1-237961409-C-T.
Other names: p.L4677L:CTG>TTG; p.Leu4677=.
Identifiers: ClinVar variation 36733 (VCV000036733.39), dbSNP rs112864477, ClinGen allele CA008121.

ClinVar aggregate classification (germline): Benign/Likely benign. Review status: criteria provided, multiple submitters, no conflicts (2 of 4 stars). 18 submissions from 17 submitters: Benign (11); Likely benign (3). 4 of the submissions do not count toward it. Last evaluated 2026-02-02.

Conditions:
Catecholaminergic polymorphic ventricular tachycardia (CVPT). Also called: Catecholamine-induced polymorphic ventricular tachycardia. Identifiers: Orphanet 3286, MedGen C5574922, MONDO:0017990.
Cardiomyopathy (CMYO). Also called: Cardiomyopathies. Identifiers: Orphanet 167848, MedGen C0878544, MONDO:0004994, HP:0001638. Inheritance: Various modes of inheritance.
Catecholaminergic polymorphic ventricular tachycardia 1. Also called: RYR2-Related Catecholaminergic Polymorphic Ventricular Tachycardia; VENTRICULAR TACHYCARDIA, STRESS-INDUCED POLYMORPHIC 1; VENTRICULAR TACHYCARDIA, CATECHOLAMINERGIC POLYMORPHIC, 1, WITH OR WITHOUT ATRIAL DYSFUNCTION AND/OR DILATED CARDIOMYOPATHY. Identifiers: Orphanet 3286, MedGen C1631597, MONDO:0011484, OMIM 604772.
Arrhythmogenic right ventricular dysplasia 2. Identifiers: MedGen C1832931.

Allele frequency attached by ClinVar (database versions not stated): gnomAD exomes 0.00103; ExAC 0.00156; gnomAD 0.00446; TOPMed 0.00483; ESP Exome Variant Server 0.00506; 1000 Genomes Project 0.00539; 1000 Genomes Project 30x 0.00578.
gnomAD v4.1: 1,295 of 1,612,168 alleles (0.08%); highest among the groups gnomAD compares: African/African-American, 1.6%; 10 homozygotes.

Submissions (18):

Labcorp Genetics (formerly Invitae), Labcorp
Classification: Benign for Catecholaminergic polymorphic ventricular tachycardia 1. Last evaluated: 2026-02-02. Review status: criteria provided, single submitter. Criteria: Invitae Variant Classification Sherloc (09022015). Collection method: clinical testing. Allele origin: germline.

Molecular Diagnostic Laboratory for Inherited Cardiovascular Disease, Montreal Heart Institute
Classification: Benign. Last evaluated: 2025-04-09. Review status: criteria provided, single submitter. Criteria: ACMG Guidelines, 2015. Collection method: clinical testing. Allele origin: germline. Affected: no.

ARUP Laboratories, Molecular Genetics and Genomics, ARUP Laboratories
Classification: Benign. Last evaluated: 2025-04-02. Review status: criteria provided, single submitter. Criteria: ARUP Molecular Germline Variant Investigation Process 2024. Collection method: clinical testing. Allele origin: germline.

Mayo Clinic Laboratories, Mayo Clinic
Classification: Benign. Last evaluated: 2025-03-19. Review status: criteria provided, single submitter. Criteria: ACMG Guidelines, 2015. Collection method: clinical testing. Allele origin: germline. Observed: 4 variant alleles.
Comment: BS1, BS2, BP4, BP7

Blueprint Genetics
Classification: Likely benign. Last evaluated: 2024-11-22. Review status: criteria provided, single submitter. Criteria: ACMG Guidelines, 2015. Collection method: clinical testing. Allele origin: germline.

All of Us Research Program, National Institutes of Health
Classification: Benign for Catecholaminergic polymorphic ventricular tachycardia. Last evaluated: 2024-02-05. Review status: criteria provided, single submitter. Criteria: ACMG Guidelines, 2015. Collection method: clinical testing. Allele origin: germline. Inheritance: Autosomal dominant inheritance. Observed: 250 variant alleles, 248 heterozygotes, 2 homozygotes.
Comment: This study involves interpretation of variants in research participants for the purpose of population health screening. Participant phenotype was not available at the time of variant classification. Additional details can be found in publication PMID: 35346344, PMCID: PMC8962531

Color Diagnostics, LLC DBA Color Health
Classification: Benign for Cardiomyopathy. Last evaluated: 2018-03-08. Review status: criteria provided, single submitter. Criteria: ACMG Guidelines, 2015. Collection method: clinical testing. Allele origin: germline.

Illumina Laboratory Services, Illumina
Classification: Likely benign for Catecholaminergic polymorphic ventricular tachycardia 1. Last evaluated: 2018-01-12. Review status: criteria provided, single submitter. Criteria: ICSL Variant Classification Criteria 13 December 2019. Collection method: clinical testing. Allele origin: germline.
Comment: This variant was observed in the ICSL laboratory as part of a predisposition screen in an ostensibly healthy population. It had not been previously curated by ICSL or reported in the Human Gene Mutation Database (HGMD: prior to June 1st, 2018), and was therefore a candidate for classification through an automated scoring system. Utilizing variant allele frequency, disease prevalence and penetrance estimates, and inheritance mode, an automated score was calculated to assess if this variant is too frequent to cause the disease. Based on the score and internal cut-off values, a variant classified as likely benign is not then subjected to further curation. The score for this variant resulted in a classification of likely benign for this disease.

Illumina Laboratory Services, Illumina
Classification: Benign for Catecholaminergic polymorphic ventricular tachycardia 1. Last evaluated: 2018-01-12. Review status: criteria provided, single submitter. Criteria: ICSL Variant Classification Criteria 13 December 2019. Collection method: clinical testing. Allele origin: germline.
Comment: This variant was observed in the ICSL laboratory as part of a predisposition screen in an ostensibly healthy population. It had not been previously curated by ICSL or reported in the Human Gene Mutation Database (HGMD: prior to June 1st, 2018), and was therefore a candidate for classification through an automated scoring system. Utilizing variant allele frequency, disease prevalence and penetrance estimates, and inheritance mode, an automated score was calculated to assess if this variant is too frequent to cause the disease. Based on the score and internal cut-off values, a variant classified as benign is not then subjected to further curation. The score for this variant resulted in a classification of benign for this disease.

CHEO Genetics Diagnostic Laboratory, Children's Hospital of Eastern Ontario
Classification: Benign for Cardiomyopathy. Last evaluated: 2016-04-07. Review status: criteria provided, single submitter. Criteria: ACMG Guidelines, 2015. Collection method: clinical testing. Allele origin: germline. Study: Canadian Open Genetics Repository.

Eurofins Ntd Llc (ga)
Classification: Benign. Last evaluated: 2013-07-26. Review status: criteria provided, single submitter. Criteria: EGL Classification Definitions 2015. Collection method: clinical testing. Allele origin: germline. Observed: 1 variant allele, 1 heterozygote.

GeneDx
Classification: Benign. Last evaluated: 2013-04-11. Review status: criteria provided, single submitter. Criteria: GeneDx Variant Classification (06012015). Collection method: clinical testing. Allele origin: germline. Affected: yes.
Comment: This variant is considered likely benign or benign based on one or more of the following criteria: it is a conservative change, it occurs at a poorly conserved position in the protein, it is predicted to be benign by multiple in silico algorithms, and/or has population frequency not consistent with disease.

Laboratory for Molecular Medicine, Mass General Brigham Personalized Medicine
Classification: Benign. Last evaluated: 2012-03-14. Review status: criteria provided, single submitter. Criteria: LMM Criteria. Collection method: clinical testing. Allele origin: germline. Observed: 13 variant alleles.
Comment: Leu4677Leu in exon 97 of RYR2: This variant is not expected to have clinical sig nificance because it does not alter an amino acid residue and has been identifie d in 1.7% (52/3126) of African American chromosomes from a broad population by t he NHLBI Exome Sequencing Project (dbSNP rs112 864477).

Breakthrough Genomics
Classification: Likely benign. Review status: criteria provided, single submitter. Criteria: ACMG Guidelines, 2015. Collection method: not provided. Allele origin: germline. Inheritance: Autosomal dominant inheritance. Affected: yes.

Women's Health and Genetics/Laboratory Corporation of America, LabCorp
Classification: Benign for Cardiomyopathy. Last evaluated: 2014-05-16. Review status: no assertion criteria provided. Collection method: clinical testing. Allele origin: germline. Not counted in ClinVar's aggregate classification.

Clinical Genetics DNA and cytogenetics Diagnostics Lab, Erasmus MC, Erasmus Medical Center
Classification: Likely benign. Review status: no assertion criteria provided. Collection method: clinical testing. Allele origin: germline. Affected: yes. Study: VKGL Data-share Consensus. Not counted in ClinVar's aggregate classification.

Clinical Genetics, Academic Medical Center
Classification: Benign. Review status: no assertion criteria provided. Collection method: clinical testing. Allele origin: germline. Affected: yes. Study: VKGL Data-share Consensus. Not counted in ClinVar's aggregate classification.

Diagnostic Laboratory, Department of Genetics, University Medical Center Groningen
Classification: Likely benign. Review status: no assertion criteria provided. Collection method: clinical testing. Allele origin: germline. Affected: yes. Study: VKGL Data-share Consensus. Not counted in ClinVar's aggregate classification.